The following is an entry in ClinVar:

ClinVar aggregate classification (germline): Uncertain significance (1 of 4 stars; one submission).

Submission:

Labcorp Genetics (formerly Invitae), Labcorp
Classification: Uncertain significance. Last evaluated: 2025-10-02. Review status: criteria provided, single submitter. Criteria: Invitae Variant Classification Sherloc (09022015). Collection method: clinical testing. Allele origin: germline.
Comment: This sequence change replaces proline, which is neutral and non-polar, with threonine, which is neutral and polar, at codon 193 of the FRMD7 protein (p.Pro193Thr). This variant is not present in population databases (gnomAD no frequency). This variant has not been reported in the literature in individuals affected with FRMD7-related conditions. An algorithm developed to predict the effect of missense changes on protein structure and function (PolyPhen-2) suggests that this variant is likely to be disruptive. In summary, the available evidence is currently insufficient to determine the role of this variant in disease. Therefore, it has been classified as a Variant of Uncertain Significance.

NM_194277.3(FRMD7):c.577C>A (p.Pro193Thr)

Gene: FRMD7 (FERM domain containing 7; minus strand). Cytogenetic location: Xq26.2.
Variant type: single nucleotide variant.
Coding change: c.577C>A on transcript NM_194277.3 (MANE Select); coding-DNA position 577, C replaced by A.
Protein change: p.Pro193Thr; replaces proline 193 with threonine.
Molecular consequence: missense variant.
Genome position (GRCh38, 1-based): chrX:132,085,649, G>T on the plus strand (C>A on the coding strand, the complement: FRMD7 is on the minus strand). VCF-style: chrX-132085649-G-T. GRCh37 (hg19) VCF-style: chrX-131219677-G-T.
Other names: c.532C>A, p.Pro178Thr (NM_001306193.2); short protein forms P178T, P193T.
Identifiers: ClinVar variation 4710363 (VCV004710363.1).